The following is an entry in ClinVar:

NM_000138.5(FBN1):c.7706A>T (p.Asp2569Val)

Gene: FBN1 (fibrillin 1; minus strand). Cytogenetic location: 15q21.1.
Variant type: single nucleotide variant.
Coding change: c.7706A>T on transcript NM_000138.5 (MANE Select); coding-DNA position 7706, A replaced by T.
Protein change: p.Asp2569Val; replaces aspartic acid 2569 with valine.
Molecular consequence: missense variant.
Genome position (GRCh38, 1-based): chr15:48,420,800, T>A on the plus strand (A>T on the coding strand, the complement: FBN1 is on the minus strand). VCF-style: chr15-48420800-T-A. GRCh37 (hg19) VCF-style: chr15-48712997-T-A.
Other names: c.7706A>T, p.Asp2569Val (NM_001406716.1); short protein forms D2569V.
Identifiers: ClinVar variation 1760233 (VCV001760233.3), dbSNP rs2141220859, ClinGen allele CA392324841.
Genomic context (GRCh38, chr15:48,420,800, plus strand): 5'-CTGTAGCCCCCAATGATGTTCTGGCAGCCATGCTGGCAGCGGTGGTTACCCTCACACTCG[T>A]CCACGTCTGAAAAAGAAGCAGAGCCACCATGATGCCAACTCAACATCTCTCTCTGAAGCC-3'
Protein context (NP_000129.3, residues 2559-2579): DQTGSSCEDV[Asp2569Val]ECEGNHRCQH

ClinVar aggregate classification (germline): Likely pathogenic (1 of 4 stars; one submission).

Conditions:
Familial thoracic aortic aneurysm and aortic dissection (TAAD). Also called: Thoracic aortic aneurysms and dissections. Identifiers: Orphanet 91387, MedGen C4707243, MONDO:0019625.

Submission:

Ambry Genetics
Classification: Likely pathogenic for Familial thoracic aortic aneurysm and aortic dissection. Last evaluated: 2026-02-02. Review status: criteria provided, single submitter. Criteria: Ambry Variant Classification Scheme 2023. Collection method: clinical testing. Allele origin: germline.
Comment: The p.D2569V variant (also known as c.7706A>T), located in coding exon 62 of the FBN1 gene, results from an A to T substitution at nucleotide position 7706. The aspartic acid at codon 2569 is replaced by valine, an amino acid with highly dissimilar properties. This variant alters a conserved residue in the calcium-binding consensus sequence of a cbEGF domain and is expected to disrupt FBN1 function (Handford PA et al. Nature. 1991; 351(6322):164-7). This variant was reported in individual(s) with features consistent with Marfan syndrome and related fibrillinopathies (Ambry internal data). This amino acid position is highly conserved in available vertebrate species. In addition, this alteration is predicted to be deleterious by in silico analysis. This variant is considered to be rare based on population cohorts in the Genome Aggregation Database (gnomAD). Based on the majority of available evidence to date, this variant is likely to be pathogenic.